The following is an entry in ClinVar:

ClinVar aggregate classification (germline): Uncertain significance (1 of 4 stars; one submission).

Conditions:
Oligodontia-cancer predisposition syndrome. Also called: TOOTH AGENESIS-COLORECTAL CANCER SYNDROME. Identifiers: Orphanet 300576, MedGen C1837750, MONDO:0012075, OMIM 608615. Disease mechanism: loss of function.

Submission:

Labcorp Genetics (formerly Invitae), Labcorp
Classification: Uncertain significance for Oligodontia-cancer predisposition syndrome. Last evaluated: 2022-02-09. Review status: criteria provided, single submitter. Criteria: Invitae Variant Classification Sherloc (09022015). Collection method: clinical testing. Allele origin: germline.
Comment: This sequence change replaces alanine, which is neutral and non-polar, with serine, which is neutral and polar, at codon 535 of the AXIN2 protein (p.Ala535Ser). This variant is not present in population databases (gnomAD no frequency). This variant has not been reported in the literature in individuals affected with AXIN2-related conditions. Algorithms developed to predict the effect of missense changes on protein structure and function are either unavailable or do not agree on the potential impact of this missense change (SIFT: "Deleterious"; PolyPhen-2: "Probably Damaging"; Align-GVGD: "Class C0"). In summary, the available evidence is currently insufficient to determine the role of this variant in disease. Therefore, it has been classified as a Variant of Uncertain Significance.

NM_004655.4(AXIN2):c.1603G>T (p.Ala535Ser)

Gene: AXIN2 (axin 2; minus strand). Cytogenetic location: 17q24.1.
Variant type: single nucleotide variant.
Coding change: c.1603G>T on transcript NM_004655.4 (MANE Select); coding-DNA position 1603, G replaced by T.
Protein change: p.Ala535Ser; replaces alanine 535 with serine.
Molecular consequence: missense variant.
Genome position (GRCh38, 1-based): chr17:65,537,433, C>A on the plus strand (G>T on the coding strand, the complement: AXIN2 is on the minus strand). VCF-style: chr17-65537433-C-A. GRCh37 (hg19) VCF-style: chr17-63533551-C-A.
Other names: c.1603G>T, p.Ala535Ser (NM_001363813.1); short protein forms A535S.
Identifiers: ClinVar variation 2095827 (VCV002095827.4), dbSNP rs1392915734, ClinGen allele CA400677171.